The following is an entry in ClinVar:

ClinVar aggregate classification (germline): Uncertain significance (1 of 4 stars; one submission).

Allele frequency attached by ClinVar (database versions not stated): ExAC 0.00001; gnomAD 0.00001.
gnomAD v4.1: 3 of 1,611,682 alleles (0.00019%); highest among the groups gnomAD compares: East Asian, 0.0045%; no homozygotes.

Submission:

Ambry Genetics
Classification: Uncertain significance. Last evaluated: 2024-05-04. Review status: criteria provided, single submitter. Criteria: Ambry Variant Classification Scheme 2023. Collection method: clinical testing. Allele origin: germline.
Comment: The p.S192L variant (also known as c.575C>T), located in coding exon 3 of the GALNT12 gene, results from a C to T substitution at nucleotide position 575. The serine at codon 192 is replaced by leucine, an amino acid with dissimilar properties. This amino acid position is conserved. In addition, this alteration is predicted to be tolerated by in silico analysis. Since supporting evidence is limited at this time, the clinical significance of this alteration remains unclear.

NM_024642.5(GALNT12):c.575C>T (p.Ser192Leu)

Gene: GALNT12 (polypeptide N-acetylgalactosaminyltransferase 12; plus strand). Cytogenetic location: 9q22.33.
Variant type: single nucleotide variant.
Coding change: c.575C>T on transcript NM_024642.5 (MANE Select); coding-DNA position 575, C replaced by T.
Protein change: p.Ser192Leu; replaces serine 192 with leucine.
Molecular consequence: missense variant.
Genome position (GRCh38, 1-based): chr9:98,826,785, C>T. VCF-style: chr9-98826785-C-T. GRCh37 (hg19) VCF-style: chr9-101589067-C-T.
Other names: short protein forms S192L.
Identifiers: ClinVar variation 1749470 (VCV001749470.3), dbSNP rs754554283, ClinGen allele CA5153990.